The following is an entry in ClinVar:

ClinVar aggregate classification (germline): Conflicting classifications of pathogenicity. Review status: criteria provided, conflicting classifications (1 of 4 stars). 4 submissions from 3 submitters: Uncertain significance (2); Likely benign (2). Last evaluated 2026-01-21.

Conditions:
Glaucoma 3, primary congenital, D. Identifiers: Orphanet 98976, MedGen C2751316, MONDO:0013122, OMIM 613086.
Weill-Marchesani syndrome. Also called: WM Syndrome; Mesodermal dysmorphodystrophy congenital. Identifiers: Orphanet 3449, MedGen C0265313, MONDO:0018096.
LTBP2-related disorder. Also called: LTBP2-related condition; LTBP2-related disorders.

Allele frequency attached by ClinVar (database versions not stated): gnomAD 0.00013; 1000 Genomes Project 30x 0.00016; TOPMed 0.00016; ExAC 0.00019; gnomAD exomes 0.00020.
gnomAD v4.1: 310 of 1,587,368 alleles (0.02%); highest among the groups gnomAD compares: South Asian, 0.054%; no homozygotes.

Submissions (4):

Labcorp Genetics (formerly Invitae), Labcorp
Classification: Likely benign. Last evaluated: 2026-01-21. Review status: criteria provided, single submitter. Criteria: Invitae Variant Classification Sherloc (09022015). Collection method: clinical testing. Allele origin: germline.

PreventionGenetics, part of Exact Sciences
Classification: Likely benign for LTBP2-related condition. Last evaluated: 2024-10-17. Review status: criteria provided, single submitter. Criteria: ACMG Guidelines, 2015. Collection method: clinical testing. Allele origin: germline.
Comment: This variant is classified as likely benign based on ACMG/AMP sequence variant interpretation guidelines (Richards et al. 2015 PMID: 25741868, with internal and published modifications).

Illumina Laboratory Services, Illumina
Classification: Uncertain significance for Glaucoma 3, primary congenital, D. Last evaluated: 2018-01-15. Review status: criteria provided, single submitter. Criteria: ICSL Variant Classification Criteria 13 December 2019. Collection method: clinical testing. Allele origin: germline.

Illumina Laboratory Services, Illumina
Classification: Uncertain significance for Weill-Marchesani syndrome. Last evaluated: 2018-01-15. Review status: criteria provided, single submitter. Criteria: ICSL Variant Classification Criteria 13 December 2019. Collection method: clinical testing. Allele origin: germline.

NM_000428.3(LTBP2):c.21C>G (p.Ala7=)

Gene: LTBP2 (latent transforming growth factor beta binding protein 2; minus strand). Cytogenetic location: 14q24.3.
Variant type: single nucleotide variant.
Coding change: c.21C>G on transcript NM_000428.3 (MANE Select); coding-DNA position 21, C replaced by G.
Protein change: p.Ala7=; no amino-acid change (alanine 7 retained).
Molecular consequence: synonymous variant.
Genome position (GRCh38, 1-based): chr14:74,611,924, G>C on the plus strand (C>G on the coding strand, the complement: LTBP2 is on the minus strand). VCF-style: chr14-74611924-G-C. GRCh37 (hg19) VCF-style: chr14-75078627-G-C.
Identifiers: ClinVar variation 792948 (VCV000792948.13), dbSNP rs757559806, ClinGen allele CA7270278.